The following is an entry in ClinVar:

ClinVar aggregate classification (germline): Conflicting classifications of pathogenicity. Review status: criteria provided, conflicting classifications (1 of 4 stars). 2 submissions from 2 submitters: Uncertain significance (1); Likely benign (1). Last evaluated 2023-03-23.

Conditions:
Hereditary cancer-predisposing syndrome. Also called: Neoplastic Syndromes, Hereditary; Hereditary Cancer Syndrome; Hereditary neoplastic syndrome; Tumor predisposition. Identifiers: Orphanet 140162, MedGen C0027672, MeSH D009386, MONDO:0015356.
Hereditary breast ovarian cancer syndrome. Also called: Hereditary breast and ovarian cancer syndrome; BRCA1- and BRCA2-Associated Hereditary Breast and Ovarian Cancer; Hereditary breast and ovarian cancer; Hereditary breast and/or ovarian cancer syndrome; Hereditary breast and ovarian cancer syndrome (HBOC); Breast and ovarian cancer. Identifiers: Orphanet 145, MedGen C0677776, MeSH D061325, MONDO:0003582. Disease mechanism: loss of function.

gnomAD v4.1: 2 of 1,614,136 alleles (0.00012%); highest among the groups gnomAD compares: African/African-American, 0.0013%; no homozygotes.

Submissions (2):

University of Washington Department of Laboratory Medicine, University of Washington
Classification: Likely benign for Hereditary cancer-predisposing syndrome. Last evaluated: 2023-03-23. Review status: criteria provided, single submitter. Criteria: Dines et al. (Genet Med. 2020). Collection method: curation. Allele origin: germline.
Comment: Missense variant in a coldspot region where missense variants are very unlikely to be pathogenic (PMID:31911673).

BRCA1 coldspot (exon 11 using historical exon numbering). Reclassification based on statistical prior probability

Labcorp Genetics (formerly Invitae), Labcorp
Classification: Uncertain significance for Hereditary breast ovarian cancer syndrome. Last evaluated: 2022-07-14. Review status: criteria provided, single submitter. Criteria: Invitae Variant Classification Sherloc (09022015). Collection method: clinical testing. Allele origin: germline.
Comment: In summary, the available evidence is currently insufficient to determine the role of this variant in disease. Therefore, it has been classified as a Variant of Uncertain Significance. Advanced modeling of protein sequence and biophysical properties (such as structural, functional, and spatial information, amino acid conservation, physicochemical variation, residue mobility, and thermodynamic stability) performed at Invitae indicates that this missense variant is not expected to disrupt BRCA1 protein function. This variant has not been reported in the literature in individuals affected with BRCA1-related conditions. This variant is not present in population databases (gnomAD no frequency). This sequence change replaces serine, which is neutral and polar, with cysteine, which is neutral and slightly polar, at codon 434 of the BRCA1 protein (p.Ser434Cys).

NM_007294.4(BRCA1):c.1300A>T (p.Ser434Cys)

Gene: BRCA1 (BRCA1 DNA repair associated; minus strand). Cytogenetic location: 17q21.31.
Variant type: single nucleotide variant.
Coding change: c.1300A>T on transcript NM_007294.4 (MANE Select); coding-DNA position 1300, A replaced by T.
Protein change: p.Ser434Cys; replaces serine 434 with cysteine.
Molecular consequence: missense variant. On other transcripts: intron variant (137).
Genome position (GRCh38, 1-based): chr17:43,094,231, T>A on the plus strand (A>T on the coding strand, the complement: BRCA1 is on the minus strand). VCF-style: chr17-43094231-T-A. GRCh37 (hg19) VCF-style: chr17-41246248-T-A.
Other names: c.1087A>T, p.Ser363Cys (NM_001407571.1, NM_001407853.1, NM_001407894.1 and 9 more transcripts); c.1300A>T, p.Ser434Cys (NM_001407581.1, NM_001407582.1, NM_001407583.1 and 30 more transcripts); c.1297A>T, p.Ser433Cys (NM_001407587.1, NM_001407590.1, NM_001407591.1 and 22 more transcripts); c.1291A>T, p.Ser431Cys (NM_001407646.1, NM_001407647.1); c.1177A>T, p.Ser393Cys (NM_001407648.1, NM_001407664.1, NM_001407665.1 and 19 more transcripts); c.1174A>T, p.Ser392Cys (NM_001407649.1, NM_001407670.1, NM_001407671.1 and 11 more transcripts); c.1222A>T, p.Ser408Cys (NM_001407653.1, NM_001407654.1, NM_001407655.1 and 4 more transcripts); c.1219A>T, p.Ser407Cys (NM_001407659.1, NM_001407660.1, NM_001407661.1 and 1 more transcripts); and 40 more; short protein forms S323C, S345C, S364C, S387C, S434C, S266C, S307C, S367C.
Identifiers: ClinVar variation 2108999 (VCV002108999.6), dbSNP rs786203753, ClinGen allele CA10599455.